The following is an entry in ClinVar:

ClinVar aggregate classification (germline): Likely benign. Review status: criteria provided, multiple submitters, no conflicts (2 of 4 stars). 2 submissions from 2 submitters: Likely benign (2). Last evaluated 2025-10-31.

Conditions:
QARS1-related disorder. Also called: QARS1-related condition.
Diffuse cerebral and cerebellar atrophy - intractable seizures - progressive microcephaly syndrome. Also called: Microcephaly, progressive, with seizures and cerebral and cerebellar atrophy. Identifiers: Orphanet 404437, MedGen C4014239, MONDO:0014335, OMIM 615760.

Allele frequency attached by ClinVar (database versions not stated): ExAC 0.00001; gnomAD 0.00003; TOPMed 0.00008.

Submissions (2):

PreventionGenetics, part of Exact Sciences
Classification: Likely benign for QARS1-related condition. Last evaluated: 2025-10-31. Review status: criteria provided, single submitter. Criteria: ACMG Guidelines, 2015. Collection method: clinical testing. Allele origin: germline.
Comment: This variant is classified as likely benign based on ACMG/AMP sequence variant interpretation guidelines (Richards et al. 2015 PMID: 25741868, with internal and published modifications).

Labcorp Genetics (formerly Invitae), Labcorp
Classification: Likely benign for Diffuse cerebral and cerebellar atrophy - intractable seizures - progressive microcephaly syndrome. Last evaluated: 2025-07-28. Review status: criteria provided, single submitter. Criteria: Invitae Variant Classification Sherloc (09022015). Collection method: clinical testing. Allele origin: germline.

NM_005051.3(QARS1):c.1526+8C>T

Gene: QARS1 (glutaminyl-tRNA synthetase 1; minus strand). Cytogenetic location: 3p21.31.
Variant type: single nucleotide variant.
Coding change: c.1526+8C>T on transcript NM_005051.3 (MANE Select); 8 bases into the intron after coding-DNA position 1526, C replaced by T.
Molecular consequence: intron variant.
Genome position (GRCh38, 1-based): chr3:49,099,502, G>A on the plus strand (C>T on the coding strand, the complement: QARS1 is on the minus strand). VCF-style: chr3-49099502-G-A. GRCh37 (hg19) VCF-style: chr3-49136935-G-A.
Other names: c.1526+8C>T (NM_005051.2); c.1493+8C>T (NM_001272073.2).
Identifiers: ClinVar variation 2892825 (VCV002892825.4), dbSNP rs754426370, ClinGen allele CA2391734.
Genomic context (GRCh38, chr3:49,099,502, plus strand): 5'-GAAGGTGGTGAGAAGGCCTTTGGGAGCATATGCCATTAACCTTTCATAAGCCAAACAGCC[G>A]CACCTACCGCACAGCACCAGTTGCTACAAGCTGGAGGATCTTCCTCTTAGAGACAACAGC-3'